The following is an entry in ClinVar:

ClinVar aggregate classification (germline): Likely pathogenic. Review status: criteria provided, multiple submitters, no conflicts (2 of 4 stars). 2 submissions from 2 submitters: Likely pathogenic (2). Last evaluated 2020-02-07.

Conditions:
Dilated cardiomyopathy 1G (CMD1G). Identifiers: Orphanet 154, MedGen C1858763, MONDO:0011400, OMIM 604145.
Autosomal recessive limb-girdle muscular dystrophy type 2J (LGMDR10). Also called: Limb-girdle muscular dystrophy, type 2J; MUSCULAR DYSTROPHY, LIMB-GIRDLE, AUTOSOMAL RECESSIVE 10. Identifiers: Orphanet 140922, MedGen C1837342, MONDO:0012127, OMIM 608807.
Primary dilated cardiomyopathy (DCM). Also called: Dilated Cardiomyopathy. Identifiers: Orphanet 217604, MedGen C0007193, MeSH D002311, MONDO:0005021, HP:0001644. Inheritance: Various modes of inheritance.

Allele frequency attached by ClinVar (database versions not stated): gnomAD exomes below 0.00001.
gnomAD v4.1: 3 of 1,508,714 alleles (0.0002%); highest among the groups gnomAD compares: Non-Finnish European, 0.00026%; no homozygotes.

Submissions (2):

Labcorp Genetics (formerly Invitae), Labcorp
Classification: Likely pathogenic for Dilated cardiomyopathy 1G; Autosomal recessive limb-girdle muscular dystrophy type 2J. Last evaluated: 2020-02-07. Review status: criteria provided, single submitter. Criteria: Invitae Variant Classification Sherloc (09022015). Collection method: clinical testing. Allele origin: germline.
Comment: In summary, the currently available evidence indicates that the variant is pathogenic, but additional data are needed to prove that conclusively. Therefore, this variant has been classified as Likely Pathogenic. This variant is located in the A band of TTN (PMID: 25589632). Truncating variants in this region are significantly overrepresented in patients affected with dilated cardiomyopathy (PMID: 25589632). Truncating variants in this region have also been reported in individuals affected with autosomal recessive centronuclear myopathy (PMID: 23975875). Algorithms developed to predict the effect of sequence changes on RNA splicing suggest that this variant may disrupt the consensus splice site, but this prediction has not been confirmed by published transcriptional studies. This sequence change affects a donor splice site in intron 290 of the TTN gene. It is expected to disrupt RNA splicing and likely results in an absent or disrupted protein product. This variant is not present in population databases (ExAC no frequency). This variant has not been reported in the literature in individuals with TTN-related conditions. ClinVar contains an entry for this variant (Variation ID: 47113).

Laboratory for Molecular Medicine, Mass General Brigham Personalized Medicine
Classification: Likely pathogenic for Primary dilated cardiomyopathy. Last evaluated: 2019-09-18. Review status: criteria provided, single submitter. Criteria: ACMG Guidelines, 2015. Collection method: clinical testing. Allele origin: germline.
Comment: The 48943+1G>A variant in TTN has not been reported in the literature nor previously identified by our laboratory. This variant has not been identified in a very large and broad population by the NHLBI Exome Sequencing Project. This variant occurs in the invariant region (+/- 1, 2) of the splice consensus sequence and is predicted to cause altered splicing leading to an abnormal or absent protein. Heterozygous loss of function of the TTN gene is strongly associated with DCM (Herman 2012). In summary, this variant is likely to be pathogenic, though segregation studies and functional analyses are required to fully establish the pathogenicity of this variant.

Literature cited by the submitters: PubMed 25589632 (cited by Labcorp Genetics (formerly Invitae), Labcorp); PubMed 23975875 (cited by Labcorp Genetics (formerly Invitae), Labcorp).

NM_001267550.2(TTN):c.56647+1G>A

Genes: TTN (titin; minus strand), TTN-AS1 (TTN antisense RNA 1; plus strand). Cytogenetic location: 2q31.2.
Variant type: single nucleotide variant.
Coding change: c.56647+1G>A on transcript NM_001267550.2 (MANE Select); the canonical splice donor site of the intron after coding-DNA position 56647, G replaced by A.
Molecular consequence: splice donor variant.
Genome position (GRCh38, 1-based): chr2:178,599,145, C>T on the plus strand (G>A on the coding strand, the complement: TTN is on the minus strand). VCF-style: chr2-178599145-C-T. GRCh37 (hg19) VCF-style: chr2-179463872-C-T.
Other names: c.29452+1G>A (NM_003319.4); c.30028+1G>A (NM_133437.4); c.29827+1G>A (NM_133432.3); c.48943+1G>A (NM_133378.4); c.51724+1G>A (NM_001256850.1).
Identifiers: ClinVar variation 47113 (VCV000047113.16), dbSNP rs397517624, ClinGen allele CA261880.